The following is an entry in ClinVar:

NM_001903.5(CTNNA1):c.1568T>G (p.Val523Gly)

Gene: CTNNA1 (catenin alpha 1; plus strand). Cytogenetic location: 5q31.2.
Variant type: single nucleotide variant.
Coding change: c.1568T>G on transcript NM_001903.5 (MANE Select); coding-DNA position 1568, T replaced by G.
Protein change: p.Val523Gly; replaces valine 523 with glycine.
Molecular consequence: missense variant.
Genome position (GRCh38, 1-based): chr5:138,924,531, T>G. VCF-style: chr5-138924531-T-G. GRCh37 (hg19) VCF-style: chr5-138260220-T-G.
Other names: c.1568T>G, p.Val523Gly (NM_001290307.3, NM_001323982.2, NM_001323983.1 and 2 more transcripts); c.1259T>G, p.Val420Gly (NM_001290309.3); c.1199T>G, p.Val400Gly (NM_001290310.3); c.458T>G, p.Val153Gly (NM_001290312.1, NM_001323987.1, NM_001323988.1 and 17 more transcripts); c.1475T>G, p.Val492Gly (NM_001323986.2); c.365T>G, p.Val122Gly (NM_001324011.1); c.215T>G, p.Val72Gly (NM_001324012.1, NM_001324013.1); c.119T>G, p.Val40Gly (NM_001324006.1, NM_001324007.1, NM_001324008.1 and 2 more transcripts); short protein forms V122G, V523G, V40G, V492G, V400G, V420G, V72G, V153G.
Identifiers: ClinVar variation 4825921 (VCV004825921.1).
Genomic context (GRCh38, chr5:138,924,531, plus strand): 5'-AAGCCTCCTTCCTCATTCAACTTTTTGCTTGTTCTCCAGAGAATCACATTTTGGAAGATG[T>G]GAACAAATGTGTCATTGCTCTCCAAGAGAAGGATGTGGATGGCCTGGACCGCACAGCTGG-3'
Protein context (NP_001894.2, residues 513-533): AVSENHILED[Val523Gly]NKCVIALQEK

ClinVar aggregate classification (germline): Uncertain significance (1 of 4 stars; one submission).

Conditions:
Hereditary cancer-predisposing syndrome. Also called: Neoplastic Syndromes, Hereditary; Tumor predisposition; Hereditary Cancer Syndrome; Hereditary neoplastic syndrome. Identifiers: Orphanet 140162, MedGen C0027672, MeSH D009386, MONDO:0015356.

Submission:

Ambry Genetics
Classification: Uncertain significance for Hereditary cancer-predisposing syndrome. Last evaluated: 2026-02-28. Review status: criteria provided, single submitter. Criteria: Ambry Variant Classification Scheme 2023. Collection method: clinical testing. Allele origin: germline.
Comment: The p.V523G variant (also known as c.1568T>G), located in coding exon 11 of the CTNNA1 gene, results from a T to G substitution at nucleotide position 1568. The valine at codon 523 is replaced by glycine, an amino acid with dissimilar properties. This amino acid position is conserved. In addition, this alteration is predicted to be deleterious by in silico analysis. Based on the available evidence, the clinical significance of this variant remains unclear.